The following is an entry in ClinVar:

NM_015158.5(KANK1):c.2669T>A (p.Phe890Tyr)

Gene: KANK1 (KN motif and ankyrin repeat domains 1; plus strand). Cytogenetic location: 9p24.3.
Variant type: single nucleotide variant.
Coding change: c.2669T>A on transcript NM_015158.5 (MANE Select); coding-DNA position 2669, T replaced by A.
Protein change: p.Phe890Tyr; replaces phenylalanine 890 with tyrosine.
Molecular consequence: missense variant. On other transcripts: non-coding transcript variant (1).
Genome position (GRCh38, 1-based): chr9:713,435, T>A. VCF-style: chr9-713435-T-A. GRCh37 (hg19) VCF-style: chr9-713435-T-A.
Other names: c.2669T>A, p.Phe890Tyr (NM_001256876.3, NM_001256877.3, NM_001354331.2 and 2 more transcripts); c.2195T>A, p.Phe732Tyr (NM_001354333.2, NM_001354335.2, NM_001354336.2 and 9 more transcripts); short protein forms F732Y, F890Y.
Identifiers: ClinVar variation 1374329 (VCV001374329.6), dbSNP rs376670053, ClinGen allele CA4960564.

ClinVar aggregate classification (germline): Uncertain significance (1 of 4 stars; one submission).

Allele frequency attached by ClinVar (database versions not stated): gnomAD exomes below 0.00001; ExAC 0.00001; ESP Exome Variant Server 0.00008.

Submission:

Labcorp Genetics (formerly Invitae), Labcorp
Classification: Uncertain significance. Last evaluated: 2021-08-11. Review status: criteria provided, single submitter. Criteria: Invitae Variant Classification Sherloc (09022015). Collection method: clinical testing. Allele origin: germline.
Comment: In summary, the available evidence is currently insufficient to determine the role of this variant in disease. Therefore, it has been classified as a Variant of Uncertain Significance. Algorithms developed to predict the effect of missense changes on protein structure and function (SIFT, PolyPhen-2, Align-GVGD) all suggest that this variant is likely to be tolerated. This variant has not been reported in the literature in individuals affected with KANK1-related conditions. This variant is present in population databases (rs376670053, ExAC 0.002%). This sequence change replaces phenylalanine with tyrosine at codon 890 of the KANK1 protein (p.Phe890Tyr). The phenylalanine residue is moderately conserved and there is a small physicochemical difference between phenylalanine and tyrosine.